The following is an entry in ClinVar:

NM_001606.5(ABCA2):c.7181G>T (p.Arg2394Leu)

Gene: ABCA2 (ATP binding cassette subfamily A member 2; minus strand). Cytogenetic location: 9q34.3.
Variant type: single nucleotide variant.
Coding change: c.7181G>T on transcript NM_001606.5 (MANE Select); coding-DNA position 7181, G replaced by T.
Protein change: p.Arg2394Leu; replaces arginine 2394 with leucine.
Molecular consequence: missense variant.
Genome position (GRCh38, 1-based): chr9:137,008,510, C>A on the plus strand (G>T on the coding strand, the complement: ABCA2 is on the minus strand). VCF-style: chr9-137008510-C-A. GRCh37 (hg19) VCF-style: chr9-139902962-C-A.
Other names: c.7178G>T, p.Arg2393Leu (NM_001411042.1); c.7271G>T, p.Arg2424Leu (NM_212533.3); short protein forms R2393L, R2394L, R2424L.
Identifiers: ClinVar variation 5036924 (VCV005036924.1).
Genomic context (GRCh38, chr9:137,008,510, plus strand): 5'-TCCGTGTCCAGGTCCTCGGGCTCGTCTGCCACAAGTGCCCGGAGCTCCGTGGGGGCAGAC[C>A]GGGGCCGGAGCAGGCTGAGCAAGCAGCCGAGAGGGGACTGCAGTGCGGATGGCGGCTCCG-3'
Protein context (NP_001597.2, residues 2384-2404): LGCLLSLLRP[Arg2394Leu]SAPTELRALV

ClinVar aggregate classification (germline): Uncertain significance (1 of 4 stars; one submission).

gnomAD v4.1: 1 of 1,586,102 alleles (0.000063%); highest among the groups gnomAD compares: South Asian, 0.0011%; no homozygotes.

Submission:

GeneDx
Classification: Uncertain significance. Last evaluated: 2026-04-20. Review status: criteria provided, single submitter. Criteria: GeneDx Variant Classification Process June 2021. Collection method: clinical testing. Allele origin: germline.
Comment: Not observed at significant frequency in large population cohorts (gnomAD); In silico analysis supports that this missense variant has a deleterious effect on protein structure/function; Has not been previously published as pathogenic or benign to our knowledge